The following is an entry in ClinVar:

NM_005219.5(DIAPH1):c.1943A>T (p.Asp648Val)

Gene: DIAPH1 (diaphanous related formin 1; minus strand). Cytogenetic location: 5q31.3.
Variant type: single nucleotide variant.
Coding change: c.1943A>T on transcript NM_005219.5 (MANE Select); coding-DNA position 1943, A replaced by T.
Protein change: p.Asp648Val; replaces aspartic acid 648 with valine.
Molecular consequence: missense variant.
Genome position (GRCh38, 1-based): chr5:141,573,907, T>A on the plus strand (A>T on the coding strand, the complement: DIAPH1 is on the minus strand). VCF-style: chr5-141573907-T-A. GRCh37 (hg19) VCF-style: chr5-140953474-T-A.
Other names: c.1916A>T, p.Asp639Val (NM_001079812.3); c.1943A>T, p.Asp648Val (NM_001314007.2); short protein forms D639V, D648V.
Identifiers: ClinVar variation 3366258 (VCV003366258.1).

ClinVar aggregate classification (germline): Uncertain significance (1 of 4 stars; one submission).

Submission:

GeneDx
Classification: Uncertain significance. Last evaluated: 2023-10-19. Review status: criteria provided, single submitter. Criteria: GeneDx Variant Classification Process June 2021. Collection method: clinical testing. Allele origin: germline. Affected: yes.
Comment: Not observed at significant frequency in large population cohorts (gnomAD); In silico analysis supports that this missense variant does not alter protein structure/function; Has not been previously published as pathogenic or benign to our knowledge